The following is an entry in ClinVar:

ClinVar aggregate classification (germline): Benign/Likely benign. Review status: criteria provided, multiple submitters, no conflicts (2 of 4 stars). 2 submissions from 2 submitters: Benign (1); Likely benign (1). Last evaluated 2026-01-26.

Allele frequency attached by ClinVar (database versions not stated): ESP Exome Variant Server 0.00323; gnomAD 0.00356; 1000 Genomes Project 0.00419; 1000 Genomes Project 30x 0.00422.
gnomAD v4.1: 1,053 of 1,553,040 alleles (0.068%); highest among the groups gnomAD compares: African/African-American, 1.2%; 9 homozygotes.

Submissions (2):

Labcorp Genetics (formerly Invitae), Labcorp
Classification: Benign. Last evaluated: 2026-01-26. Review status: criteria provided, single submitter. Criteria: Invitae Variant Classification Sherloc (09022015). Collection method: clinical testing. Allele origin: germline.

Mayo Clinic Laboratories, Mayo Clinic
Classification: Likely benign. Last evaluated: 2025-03-24. Review status: criteria provided, single submitter. Criteria: ACMG Guidelines, 2015. Collection method: clinical testing. Allele origin: germline. Observed: 1 variant allele.
Comment: BS2, BP4, BP7

NM_012268.4(PLD3):c.430-4G>A

Genes: MIR6796 (microRNA 6796; plus strand), PLD3 (phospholipase D family member 3; plus strand). Cytogenetic location: 19q13.2.
Variant type: single nucleotide variant.
Coding change: c.430-4G>A on transcript NM_012268.4 (MANE Select); 4 bases into the intron before coding-DNA position 430, G replaced by A.
Molecular consequence: intron variant. On other transcripts: non-coding transcript variant (1).
Genome position (GRCh38, 1-based): chr19:40,369,904, G>A. VCF-style: chr19-40369904-G-A. GRCh37 (hg19) VCF-style: chr19-40875811-G-A.
Other names: p.?; c.430-4G>A (NM_001031696.4, NM_001291311.2).
Identifiers: ClinVar variation 2042186 (VCV002042186.5), dbSNP rs112274606, ClinGen allele CA9442736.